The following is an entry in ClinVar:

ClinVar aggregate classification (germline): Uncertain significance (1 of 4 stars; one submission).

Conditions:
BICC1-related disorder. Also called: BICC1-related condition.

gnomAD v4.1: 2 of 1,612,166 alleles (0.00012%); highest among the groups gnomAD compares: East Asian, 0.0022%; no homozygotes.

Submission:

PreventionGenetics, part of Exact Sciences
Classification: Uncertain significance for BICC1-related condition. Last evaluated: 2025-11-30. Review status: criteria provided, single submitter. Criteria: ACMG Guidelines, 2015. Collection method: clinical testing. Allele origin: germline.
Comment: The BICC1 c.1975A>G variant is predicted to result in the amino acid substitution p.Thr659Ala. To our knowledge, this variant has not been reported in the literature. This variant is reported in 0.0055% of alleles in individuals of East Asian descent in gnomAD. At this time, the clinical significance of this variant is uncertain due to the absence of conclusive functional and genetic evidence.

NM_001080512.3(BICC1):c.1975A>G (p.Thr659Ala)

Gene: BICC1 (BicC family RNA binding protein 1; plus strand). Cytogenetic location: 10q21.1.
Variant type: single nucleotide variant.
Coding change: c.1975A>G on transcript NM_001080512.3 (MANE Select); coding-DNA position 1975, A replaced by G.
Protein change: p.Thr659Ala; replaces threonine 659 with alanine.
Molecular consequence: missense variant.
Genome position (GRCh38, 1-based): chr10:58,801,006, A>G. VCF-style: chr10-58801006-A-G. GRCh37 (hg19) VCF-style: chr10-60560766-A-G.
Other names: short protein forms T659A.
Identifiers: ClinVar variation 4982019 (VCV004982019.1).